The following is an entry in ClinVar:

NM_000642.3(AGL):c.2876dup (p.Asn959fs)

Gene: AGL (amylo-alpha-1,6-glucosidase and 4-alpha-glucanotransferase; plus strand). Cytogenetic location: 1p21.2.
Variant type: Duplication.
Coding change: c.2876dup on transcript NM_000642.3 (MANE Select); coding-DNA position 2876, one base duplicated (A; older notation c.2876dupA).
Protein change: p.Asn959fs; shifts the reading frame from asparagine 959.
Molecular consequence: frameshift variant.
Genome position (GRCh38, 1-based): chr1:99,891,283, A duplicated; the last of 2 consecutive A bases (chr1:99,891,282-99,891,283); duplicating either gives the same sequence. VCF-style (leftmost placement, unchanged base first): chr1-99891281-T-TA. GRCh37 (hg19) VCF-style: chr1-100356837-T-TA.
Other names: c.2876dup, p.Asn959fs (NM_000028.3, NM_000643.3, NM_000644.3 and 1 more transcripts); c.2828dup, p.Asn943fs (NM_000646.3); c.2855dup, p.Asn952fs (NM_001425326.1); c.2675dup, p.Asn892fs (NM_001425327.1); c.2672dup, p.Asn891fs (NM_001425328.1); c.2537dup, p.Asn846fs (NM_001425329.1); c.2498dup, p.Asn833fs (NM_001425332.1); short protein forms N833fs, N846fs, N891fs, N892fs, N943fs, N952fs, N959fs.
Identifiers: ClinVar variation 5015508 (VCV005015508.1).

ClinVar aggregate classification (germline): Pathogenic (1 of 4 stars; one submission).

Conditions:
Glycogen storage disease type III (GSD3). Also called: FORBES DISEASE; Cori disease. Identifiers: Orphanet 366, MedGen C0017922, MONDO:0009291, OMIM 232400.

Submission:

Myriad Genetics, Inc.
Classification: Pathogenic for Glycogen storage disease type III. Last evaluated: 2026-02-02. Review status: criteria provided, single submitter. Criteria: Myriad Autosomal Dominant, Autosomal Recessive and X-Linked Classification Criteria (2023). Collection method: clinical testing. Allele origin: unknown.
Comment: NM_000642.2(AGL):c.2876dupA(N959Kfs*10) is expected to be pathogenic in the context of glycogen storage disease type III. This variant is predicted to lead to an abnormal or absent protein product due to the creation of a premature termination codon in AGL, a gene where loss-of-function variants are known to be pathogenic. Please note: this variant was assessed in the context of healthy population screening.